The following is an entry in ClinVar:

ClinVar aggregate classification (germline): Uncertain significance (1 of 4 stars; one submission).

Conditions:
KMT2D-related disorder. Also called: KMT2D-Related Disorders.

Submission:

PreventionGenetics, part of Exact Sciences
Classification: Uncertain significance for KMT2D-related condition. Last evaluated: 2026-07-20. Review status: criteria provided, single submitter. Criteria: ACMG Guidelines, 2015. Collection method: clinical testing. Allele origin: germline.
Comment: The KMT2D c.247C>T variant is predicted to result in the amino acid substitution p.Arg83Trp. To our knowledge, this variant has not been reported in the literature. This variant is reported in 0.0029% of alleles in individuals of Latino descent in gnomAD. At this time, the clinical significance of this variant is uncertain due to the absence of conclusive functional and genetic evidence.

NM_003482.4(KMT2D):c.247C>T (p.Arg83Trp)

Gene: KMT2D (lysine methyltransferase 2D; minus strand). Cytogenetic location: 12q13.12.
Variant type: single nucleotide variant.
Coding change: c.247C>T on transcript NM_003482.4 (MANE Select); coding-DNA position 247, C replaced by T.
Protein change: p.Arg83Trp; replaces arginine 83 with tryptophan.
Molecular consequence: missense variant.
Genome position (GRCh38, 1-based): chr12:49,054,681, G>A on the plus strand (C>T on the coding strand, the complement: KMT2D is on the minus strand). VCF-style: chr12-49054681-G-A. GRCh37 (hg19) VCF-style: chr12-49448464-G-A.
Other names: short protein forms R83W.
Identifiers: ClinVar variation 4982197 (VCV004982197.1).
Genomic context (GRCh38, chr12:49,054,681, plus strand): 5'-GGCTCCCCCCAGGGGACACCACTGGACACCGGGGCCAATCAAATGGCAACTCAAAGCGCC[G>A]TAGCTCCCGCTGCCCGTGTAGACTGGGCTCCCCGCAGTTACAGAGAGCACAACGCCGCAC-3'
Protein context (NP_003473.3, residues 73-93): EPSLHGQREL[Arg83Trp]RFELPFDWPR